The following is an entry in ClinVar:

NM_004366.6(CLCN2):c.2499G>A (p.Lys833=)

Gene: CLCN2 (chloride voltage-gated channel 2; minus strand). Cytogenetic location: 3q27.1.
Variant type: single nucleotide variant.
Coding change: c.2499G>A on transcript NM_004366.6 (MANE Select); coding-DNA position 2499, G replaced by A.
Protein change: p.Lys833=; no amino-acid change (lysine 833 retained).
Molecular consequence: synonymous variant. On other transcripts: intron variant (1).
Genome position (GRCh38, 1-based): chr3:184,346,938, C>T on the plus strand (G>A on the coding strand, the complement: CLCN2 is on the minus strand). VCF-style: chr3-184346938-C-T. GRCh37 (hg19) VCF-style: chr3-184064726-C-T.
Other names: c.2448G>A, p.Lys816= (NM_001171087.3); c.2367G>A, p.Lys789= (NM_001171088.3); c.2416-138G>A (NM_001171089.3).
Identifiers: ClinVar variation 1335551 (VCV001335551.42), dbSNP rs368782176, ClinGen allele CA2733669.

ClinVar aggregate classification (germline): Likely benign. Review status: criteria provided, multiple submitters, no conflicts (2 of 4 stars). 4 submissions from 4 submitters: Likely benign (4). Last evaluated 2024-02-15.

Conditions:
Epilepsy, idiopathic generalized, susceptibility to, 11 (EIG11). Identifiers: Orphanet 307, MedGen C2750893, MONDO:0011875, OMIM 607628.
Familial hyperaldosteronism type II. Also called: FH II. Identifiers: Orphanet 404, MedGen C1854107, MONDO:0011576, OMIM 605635.
Leukoencephalopathy with mild cerebellar ataxia and white matter edema (LKPAT). Also called: CLCN2-Related Leukoencephalopathy; Leukoencephalopathy with ataxia; Leukoencephalopathy with white matter edema; Brain white matter edema. Identifiers: Orphanet 363540, MedGen C4554120, MONDO:0014292, OMIM 615651. Disease mechanism: loss of function.

Allele frequency attached by ClinVar (database versions not stated): gnomAD 0.00002; ExAC 0.00005; gnomAD exomes 0.00005 and 0.00006; TOPMed 0.00005; ESP Exome Variant Server 0.00023.
gnomAD v4.1: 80 of 1,613,938 alleles (0.005%); highest among the groups gnomAD compares: Non-Finnish European, 0.0063%; 1 homozygote.

Submissions (4):

Blueprint Genetics
Classification: Likely benign. Last evaluated: 2024-02-15. Review status: criteria provided, single submitter. Criteria: ACMG Guidelines, 2015. Collection method: clinical testing. Allele origin: germline.

Labcorp Genetics (formerly Invitae), Labcorp
Classification: Likely benign. Last evaluated: 2023-06-29. Review status: criteria provided, single submitter. Criteria: Invitae Variant Classification Sherloc (09022015). Collection method: clinical testing. Allele origin: germline.

CeGaT Center for Human Genetics Tuebingen
Classification: Likely benign. Last evaluated: 2022-11-01. Review status: criteria provided, single submitter. Criteria: CeGaT Center For Human Genetics Tuebingen Variant Classification Criteria Version 2. Collection method: clinical testing. Allele origin: germline. Affected: yes. Observed: 2 variant alleles.
Comment: CLCN2: BP4, BP7

Fulgent Genetics
Classification: Likely benign for Familial hyperaldosteronism type II; Epilepsy, idiopathic generalized, susceptibility to, 11; Leukoencephalopathy with mild cerebellar ataxia and white matter edema. Last evaluated: 2021-11-13. Review status: criteria provided, single submitter. Criteria: ACMG Guidelines, 2015. Collection method: clinical testing. Allele origin: unknown.